The following is an entry in ClinVar:

NM_003640.5(ELP1):c.224A>G (p.Gln75Arg)

Gene: ELP1 (elongator acetyltransferase complex subunit 1; minus strand). Cytogenetic location: 9q31.3.
Variant type: single nucleotide variant.
Coding change: c.224A>G on transcript NM_003640.5 (MANE Select); coding-DNA position 224, A replaced by G.
Protein change: p.Gln75Arg; replaces glutamine 75 with arginine.
Molecular consequence: missense variant. On other transcripts: 5 prime UTR variant (2).
Genome position (GRCh38, 1-based): chr9:108,929,848, T>C on the plus strand (A>G on the coding strand, the complement: ELP1 is on the minus strand). VCF-style: chr9-108929848-T-C. GRCh37 (hg19) VCF-style: chr9-111692128-T-C.
Other names: c.-119A>G (NM_001318360.2); c.-636A>G (NM_001330749.2); short protein forms Q75R.
Identifiers: ClinVar variation 3844546 (VCV003844546.3).

ClinVar aggregate classification (germline): Uncertain significance. Review status: criteria provided, multiple submitters, no conflicts (2 of 4 stars). 2 submissions from 2 submitters: Uncertain significance (2). Last evaluated 2025-06-17.

Conditions:
Medulloblastoma (MDB). Also called: Medulloblastoma, somatic; MEDULLOBLASTOMA PREDISPOSITION SYNDROME. Identifiers: Orphanet 616, MedGen C0025149, MeSH D008527, MONDO:0007959, OMIM 155255, HP:0002885.

gnomAD v4.1: 10 of 1,614,000 alleles (0.00062%); highest among the groups gnomAD compares: African/African-American, 0.0013%; no homozygotes.

Submissions (2):

St. Jude Molecular Pathology, St. Jude Children's Research Hospital
Classification: Uncertain significance for Medulloblastoma. Last evaluated: 2025-06-17. Review status: criteria provided, single submitter. Criteria: St. Jude Assertion Criteria 2020. Collection method: clinical testing. Allele origin: germline.
Comment: The ELP1 c.224A>G p.(Gln75Arg) missense change has a maximum subpopulation frequency of 0.006% in gnomAD v2.1.1. The in silico tool REVEL predicts a benign effect on protein function, but to our knowledge this prediction has not been confirmed by functional studies. To our knowledge, this variant has not been reported in individuals with medulloblastoma or familial dysautonomia. In summary, the evidence currently available is insufficient to determine the clinical significance of this variant. It has therefore been classified as of uncertain significance.

Ambry Genetics
Classification: Uncertain significance. Last evaluated: 2025-02-22. Review status: criteria provided, single submitter. Criteria: Ambry Variant Classification Scheme 2023. Collection method: clinical testing. Allele origin: germline.